The following is an entry in ClinVar:

NM_014989.7(RIMS1):c.460G>C (p.Glu154Gln)

Gene: RIMS1 (regulating synaptic membrane exocytosis 1; plus strand). Cytogenetic location: 6q13.
Variant type: single nucleotide variant.
Coding change: c.460G>C on transcript NM_014989.7 (MANE Select); coding-DNA position 460, G replaced by C.
Protein change: p.Glu154Gln; replaces glutamic acid 154 with glutamine.
Molecular consequence: missense variant.
Genome position (GRCh38, 1-based): chr6:72,099,975, G>C. VCF-style: chr6-72099975-G-C. GRCh37 (hg19) VCF-style: chr6-72809678-G-C.
Other names: c.457G>C, p.Glu153Gln (NM_001350411.1); c.379G>C, p.Glu127Gln (NM_001350412.1); c.460G>C, p.Glu154Gln (NM_001350413.1); short protein forms E127Q, E154Q, E153Q.
Identifiers: ClinVar variation 839995 (VCV000839995.9), dbSNP rs1429333427, ClinGen allele CA364822925.

ClinVar aggregate classification (germline): Uncertain significance (1 of 4 stars; one submission).

Allele frequency attached by ClinVar (database versions not stated): gnomAD exomes below 0.00001.
gnomAD v4.1: 2 of 1,605,868 alleles (0.00012%); highest among the groups gnomAD compares: Non-Finnish European, 0.00017%; no homozygotes.

Submission:

Labcorp Genetics (formerly Invitae), Labcorp
Classification: Uncertain significance. Last evaluated: 2019-11-29. Review status: criteria provided, single submitter. Criteria: Invitae Variant Classification Sherloc (09022015). Collection method: clinical testing. Allele origin: germline.
Comment: Algorithms developed to predict the effect of missense changes on protein structure and function are either unavailable or do not agree on the potential impact of this missense change (SIFT: "Tolerated"; PolyPhen-2: "Probably Damaging"; Align-GVGD: "Class C0"). In summary, the available evidence is currently insufficient to determine the role of this variant in disease. Therefore, it has been classified as a Variant of Uncertain Significance. Algorithms developed to predict the effect of sequence changes on RNA splicing suggest that this variant may disrupt the consensus splice site, but this prediction has not been confirmed by published transcriptional studies. This variant has not been reported in the literature in individuals with RIMS1-related conditions. This variant is not present in population databases (ExAC no frequency). This sequence change replaces glutamic acid with glutamine at codon 154 of the RIMS1 protein (p.Glu154Gln). The glutamic acid residue is weakly conserved and there is a small physicochemical difference between glutamic acid and glutamine.